The following is an entry in ClinVar:

ClinVar aggregate classification (germline): Uncertain significance. Review status: criteria provided, multiple submitters, no conflicts (2 of 4 stars). 2 submissions from 2 submitters: Uncertain significance (2). Last evaluated 2024-12-16.

Conditions:
Inborn genetic diseases. Identifiers: MedGen C0950123, MeSH D030342.

Allele frequency attached by ClinVar (database versions not stated): TOPMed 0.00003; gnomAD 0.00005; gnomAD exomes 0.00006 and 0.00012; ExAC 0.00010.
gnomAD v4.1: 170 of 1,520,400 alleles (0.011%); highest among the groups gnomAD compares: Non-Finnish European, 0.014%; no homozygotes.

Submissions (2):

Labcorp Genetics (formerly Invitae), Labcorp
Classification: Uncertain significance. Last evaluated: 2024-12-16. Review status: criteria provided, single submitter. Criteria: Invitae Variant Classification Sherloc (09022015). Collection method: clinical testing. Allele origin: germline.
Comment: This sequence change replaces leucine, which is neutral and non-polar, with proline, which is neutral and non-polar, at codon 11 of the P3H2 protein (p.Leu11Pro). This variant is present in population databases (rs771544323, gnomAD 0.01%). This variant has not been reported in the literature in individuals affected with P3H2-related conditions. ClinVar contains an entry for this variant (Variation ID: 1025074). An algorithm developed to predict the effect of missense changes on protein structure and function outputs the following: PolyPhen-2: "Benign". The proline amino acid residue is found in multiple mammalian species, which suggests that this missense change does not adversely affect protein function. In summary, the available evidence is currently insufficient to determine the role of this variant in disease. Therefore, it has been classified as a Variant of Uncertain Significance.

Ambry Genetics
Classification: Uncertain significance for Inborn genetic diseases. Last evaluated: 2024-03-28. Review status: criteria provided, single submitter. Criteria: Ambry Variant Classification Scheme 2023. Collection method: clinical testing. Allele origin: germline.

NM_018192.4(P3H2):c.32T>C (p.Leu11Pro)

Genes: P3H2 (prolyl 3-hydroxylase 2; minus strand), LOC123464484 (Sharpr-MPRA regulatory region 10063; plus strand). Cytogenetic location: 3q28.
Variant type: single nucleotide variant.
Coding change: c.32T>C on transcript NM_018192.4 (MANE Select); coding-DNA position 32, T replaced by C.
Protein change: p.Leu11Pro; replaces leucine 11 with proline.
Molecular consequence: missense variant. On other transcripts: intron variant (1).
Genome position (GRCh38, 1-based): chr3:190,120,700, A>G on the plus strand (T>C on the coding strand, the complement: P3H2 is on the minus strand). VCF-style: chr3-190120700-A-G. GRCh37 (hg19) VCF-style: chr3-189838489-A-G.
Other names: c.-64+1503T>C (NM_001134418.2); c.32T>C (NM_018192.3); short protein forms L11P.
Identifiers: ClinVar variation 1025074 (VCV001025074.4), dbSNP rs771544323, ClinGen allele CA2753454.